The following is an entry in ClinVar:

NM_001291088.2(WDR87):c.2117TCT[2] (p.Phe708del)

Gene: WDR87 (WD repeat domain 87; minus strand). Cytogenetic location: 19q13.13.
Variant type: Microsatellite.
Coding change: c.2117TCT[2] on transcript NM_001291088.2 (MANE Select); two copies in a row of the 3-base unit TCT starting at c.2117; the reference has three copies in a row; one copy, 3 bases deleted.
Protein change: p.Phe708del; deletes phenylalanine 708.
Molecular consequence: inframe deletion.
Genome position (GRCh38, 1-based): chr19:37,893,578-37,893,580, AGA deleted on the plus strand (TCT on the coding strand, the reverse complement: WDR87 is on the minus strand); deleting any 3 consecutive bases within chr19:37,893,578-37,893,588 gives the same sequence; the position shown is the placement nearest the transcript's 3' end. VCF-style (leftmost placement, unchanged base first): chr19-37893577-GAGA-G. GRCh37 (hg19) VCF-style: chr19-38384217-GAGA-G.
Other names: c.2000TCT[2], p.Phe669del (NM_031951.5); short protein forms F669del, F708del.
Identifiers: ClinVar variation 1406312 (VCV001406312.8), dbSNP rs577436279, ClinGen allele CA9408830.

ClinVar aggregate classification (germline): Uncertain significance (1 of 4 stars; one submission).

Submission:

Labcorp Genetics (formerly Invitae), Labcorp
Classification: Uncertain significance. Last evaluated: 2024-06-03. Review status: criteria provided, single submitter. Criteria: Invitae Variant Classification Sherloc (09022015). Collection method: clinical testing. Allele origin: germline.
Comment: This variant, c.2006_2008del, results in the deletion of 1 amino acid(s) of the WDR87 protein (p.Phe669del), but otherwise preserves the integrity of the reading frame. This variant is present in population databases (rs577436279, gnomAD 0.07%), and has an allele count higher than expected for a pathogenic variant. This variant has not been reported in the literature in individuals affected with WDR87-related conditions. Experimental studies and prediction algorithms are not available or were not evaluated, and the functional significance of this variant is currently unknown. In summary, the available evidence is currently insufficient to determine the role of this variant in disease. Therefore, it has been classified as a Variant of Uncertain Significance.